The following is an entry in ClinVar:

ClinVar aggregate classification (germline): Uncertain significance. Review status: criteria provided, multiple submitters, no conflicts (2 of 4 stars). 2 submissions from 2 submitters: Uncertain significance (2). Last evaluated 2025-04-11.

Conditions:
Inborn genetic diseases. Identifiers: MedGen C0950123, MeSH D030342.

Allele frequency attached by ClinVar (database versions not stated): gnomAD 0.00005; ESP Exome Variant Server 0.00015; gnomAD exomes 0.00004 and 0.00010; TOPMed 0.00007; ExAC 0.00008.
gnomAD v4.1: 155 of 1,612,998 alleles (0.0096%); highest among the groups gnomAD compares: Non-Finnish European, 0.013%; no homozygotes.

Submissions (2):

Ambry Genetics
Classification: Uncertain significance for Inborn genetic diseases. Last evaluated: 2025-04-11. Review status: criteria provided, single submitter. Criteria: Ambry Variant Classification Scheme 2023. Collection method: clinical testing. Allele origin: germline.

Labcorp Genetics (formerly Invitae), Labcorp
Classification: Uncertain significance. Last evaluated: 2022-08-10. Review status: criteria provided, single submitter. Criteria: Invitae Variant Classification Sherloc (09022015). Collection method: clinical testing. Allele origin: germline.
Comment: This sequence change replaces leucine, which is neutral and non-polar, with phenylalanine, which is neutral and non-polar, at codon 1714 of the CAD protein (p.Leu1714Phe). This variant is present in population databases (rs373956328, gnomAD 0.01%). This variant has not been reported in the literature in individuals affected with CAD-related conditions. ClinVar contains an entry for this variant (Variation ID: 1461496). Algorithms developed to predict the effect of missense changes on protein structure and function are either unavailable or do not agree on the potential impact of this missense change (SIFT: "Deleterious"; PolyPhen-2: "Possibly Damaging"; Align-GVGD: "Class C15"). In summary, the available evidence is currently insufficient to determine the role of this variant in disease. Therefore, it has been classified as a Variant of Uncertain Significance.

NM_004341.5(CAD):c.5140C>T (p.Leu1714Phe)

Gene: CAD (carbamoyl-phosphate synthetase 2, aspartate transcarbamylase, and dihydroorotase; plus strand). Cytogenetic location: 2p23.3.
Variant type: single nucleotide variant.
Coding change: c.5140C>T on transcript NM_004341.5 (MANE Select); coding-DNA position 5140, C replaced by T.
Protein change: p.Leu1714Phe; replaces leucine 1714 with phenylalanine.
Molecular consequence: missense variant.
Genome position (GRCh38, 1-based): chr2:27,239,119, C>T. VCF-style: chr2-27239119-C-T. GRCh37 (hg19) VCF-style: chr2-27461987-C-T.
Other names: c.4951C>T, p.Leu1651Phe (NM_001306079.2); c.5140C>T (NM_004341.3); short protein forms L1651F, L1714F.
Identifiers: ClinVar variation 1461496 (VCV001461496.4), dbSNP rs373956328, ClinGen allele CA1573761.
Genomic context (GRCh38, chr2:27,239,119, plus strand): 5'-GAGAAGTGTGGGTCCAGGCCCCCACCTGGGTTCCCAGGGTTAGAGACCATGCTGCCACTA[C>T]TCCTGACGGCTGTAAGCGAGGGCCGGCTCAGCCTGGACGACCTGCTGCAGCGATTGCACC-3'
Protein context (NP_004332.2, residues 1704-1724): FPGLETMLPL[Leu1714Phe]LTAVSEGRLS